The following is an entry in ClinVar:

NM_002180.3(IGHMBP2):c.66C>G (p.Asp22Glu)

Gene: IGHMBP2 (immunoglobulin mu DNA binding protein 2; plus strand). Cytogenetic location: 11q13.3.
Variant type: single nucleotide variant.
Coding change: c.66C>G on transcript NM_002180.3 (MANE Select); coding-DNA position 66, C replaced by G.
Protein change: p.Asp22Glu; replaces aspartic acid 22 with glutamic acid.
Molecular consequence: missense variant.
Genome position (GRCh38, 1-based): chr11:68,904,018, C>G. VCF-style: chr11-68904018-C-G. GRCh37 (hg19) VCF-style: chr11-68671486-C-G.
Other names: short protein forms D22E.
Identifiers: ClinVar variation 2570804 (VCV002570804.27), dbSNP rs773143326, ClinGen allele CA6153171.
Genomic context (GRCh38, chr11:68,904,018, plus strand): 5'-CTCGGCAGCTGTGGAGAGCTTCGTGACCAAGCAACTGGACCTGCTGGAGCTTGAGAGAGA[C>G]GCGGAGGTGGAGGAGCGCAGGTACGGGAGGCCGCCGGCGCCGCTCCCTCGCGGTCGGTCC-3'
Protein context (NP_002171.2, residues 12-32): KQLDLLELER[Asp22Glu]AEVEERRSWQ

ClinVar aggregate classification (germline): Uncertain significance (1 of 4 stars; one submission).

Submission:

CeGaT Center for Human Genetics Tuebingen
Classification: Uncertain significance. Last evaluated: 2023-05-01. Review status: criteria provided, single submitter. Criteria: CeGaT Center For Human Genetics Tuebingen Variant Classification Criteria Version 2. Collection method: clinical testing. Allele origin: germline. Affected: yes. Observed: 1 variant allele.
Comment: IGHMBP2: PM2